The following is an entry in ClinVar:

ClinVar aggregate classification (germline): Uncertain significance (1 of 4 stars; one submission).

Conditions:
Familial thoracic aortic aneurysm and aortic dissection (TAAD). Also called: Thoracic aortic aneurysms and dissections. Identifiers: Orphanet 91387, MedGen C4707243, MONDO:0019625.

Submission:

Color Diagnostics, LLC DBA Color Health
Classification: Uncertain significance for Familial thoracic aortic aneurysm and aortic dissection. Last evaluated: 2023-12-04. Review status: criteria provided, single submitter. Criteria: ACMG Guidelines, 2015. Collection method: clinical testing. Allele origin: germline.
Comment: Variant of Uncertain Significance due to insufficient evidence: This missense variant is located in the triple-helical region of the COL3A1 protein. Computational prediction tools and conservation analyses are inconclusive regarding the impact of this variant on the protein function. Computational splicing tools suggest that this variant may not impact RNA splicing. To our knowledge, functional assays have not been performed for this variant nor has this variant been reported in individuals affected with cardiovascular disorders in the literature. This variant is rare in the general population and has been identified in 0/277264 chromosomes by the Genome Aggregation Database (gnomAD). Available evidence is insufficient to determine the pathogenicity of this variant conclusively.

NM_000090.4(COL3A1):c.2900C>A (p.Pro967His)

Gene: COL3A1 (collagen type III alpha 1 chain; plus strand). Cytogenetic location: 2q32.2.
Variant type: single nucleotide variant.
Coding change: c.2900C>A on transcript NM_000090.4 (MANE Select); coding-DNA position 2900, C replaced by A.
Protein change: p.Pro967His; replaces proline 967 with histidine.
Molecular consequence: missense variant.
Genome position (GRCh38, 1-based): chr2:189,004,333, C>A. VCF-style: chr2-189004333-C-A. GRCh37 (hg19) VCF-style: chr2-189869059-C-A.
Other names: short protein forms P967H.
Identifiers: ClinVar variation 921780 (VCV000921780.5), dbSNP rs1688539642, ClinGen allele CA349844600.